The following is an entry in ClinVar:

NM_001377.3(DYNC2H1):c.-94G>T

Gene: DYNC2H1 (dynein cytoplasmic 2 heavy chain 1; plus strand). Cytogenetic location: 11q22.3.
Variant type: single nucleotide variant.
Coding change: c.-94G>T on transcript NM_001377.3 (MANE Select); 94 bases upstream of the start codon, G replaced by T.
Molecular consequence: 5 prime UTR variant.
Genome position (GRCh38, 1-based): chr11:103,109,481, G>T. VCF-style: chr11-103109481-G-T. GRCh37 (hg19) VCF-style: chr11-102980210-G-T.
Other names: c.-94G>T (NM_001080463.2).
Identifiers: ClinVar variation 301993 (VCV000301993.9), dbSNP rs114993913, ClinGen allele CA10633181.

ClinVar aggregate classification (germline): Benign/Likely benign. Review status: criteria provided, multiple submitters, no conflicts (2 of 4 stars). 3 submissions from 3 submitters: Benign (1); Likely benign (2). Last evaluated 2018-06-26.

Conditions:
Asphyxiating thoracic dystrophy 3. Also called: Saldino-Noonan Syndrome; SHORT-RIB THORACIC DYSPLASIA 3 WITH OR WITHOUT POLYDACTYLY; POLYDACTYLY WITH NEONATAL CHONDRODYSTROPHY, TYPE I; SHORT-RIB THORACIC DYSPLASIA 3/6 WITH POLYDACTYLY, DIGENIC; Short rib polydactyly syndrome 2B. Identifiers: Orphanet 474, Orphanet 93269, Orphanet 93270, Orphanet 93271, MedGen C0036069, MONDO:0013127, OMIM 613091.

Allele frequency attached by ClinVar (database versions not stated): TOPMed 0.01522; gnomAD 0.01448 and 0.01360; 1000 Genomes Project 0.01657; gnomAD exomes 0.00130; 1000 Genomes Project 30x 0.01811.
gnomAD v4.1: 3,610 of 1,287,182 alleles (0.28%); highest among the groups gnomAD compares: African/African-American, 4.5%; 86 homozygotes.

Submissions (3):

GeneDx
Classification: Likely benign. Last evaluated: 2018-06-26. Review status: criteria provided, single submitter. Criteria: GeneDx Variant Classification Process June 2021. Collection method: clinical testing. Allele origin: germline. Affected: yes.

Illumina Laboratory Services, Illumina
Classification: Benign for Asphyxiating thoracic dystrophy 3. Last evaluated: 2018-01-13. Review status: criteria provided, single submitter. Criteria: ICSL Variant Classification Criteria 13 December 2019. Collection method: clinical testing. Allele origin: germline.
Comment: This variant was observed in the ICSL laboratory as part of a predisposition screen in an ostensibly healthy population. It had not been previously curated by ICSL or reported in the Human Gene Mutation Database (HGMD: prior to June 1st, 2018), and was therefore a candidate for classification through an automated scoring system. Utilizing variant allele frequency, disease prevalence and penetrance estimates, and inheritance mode, an automated score was calculated to assess if this variant is too frequent to cause the disease. Based on the score and internal cut-off values, a variant classified as benign is not then subjected to further curation. The score for this variant resulted in a classification of benign for this disease.

Breakthrough Genomics
Classification: Likely benign. Review status: criteria provided, single submitter. Criteria: ACMG Guidelines, 2015. Collection method: not provided. Allele origin: germline. Inheritance: Autosomal recessive inheritance. Affected: yes.